The following is an entry in ClinVar:

ClinVar aggregate classification (germline): Conflicting classifications of pathogenicity. Review status: criteria provided, conflicting classifications (1 of 4 stars). 2 submissions from 2 submitters: Uncertain significance (1); Likely benign (1). Last evaluated 2022-03-03.

Conditions:
Niemann-Pick disease, type C1. Also called: NIEMANN-PICK DISEASE, VARIANT TYPE C1; NEUROVISCERAL STORAGE DISEASE WITH VERTICAL SUPRANUCLEAR OPHTHALMOPLEGIA; NIEMANN-PICK DISEASE WITH CHOLESTEROL ESTERIFICATION BLOCK; NIEMANN-PICK DISEASE WITHOUT SPHINGOMYELINASE DEFICIENCY; NIEMANN-PICK DISEASE, CHRONIC NEURONOPATHIC FORM. Identifiers: Orphanet 646, MedGen C3179455, MONDO:0009757, OMIM 257220.
Inborn genetic diseases. Identifiers: MedGen C0950123, MeSH D030342.

Submissions (2):

Ambry Genetics
Classification: Likely benign for Inborn genetic diseases. Last evaluated: 2022-03-03. Review status: criteria provided, single submitter. Criteria: Ambry Variant Classification Scheme 2023. Collection method: clinical testing. Allele origin: germline.

Labcorp Genetics (formerly Invitae), Labcorp
Classification: Uncertain significance for Niemann-Pick disease, type C1. Last evaluated: 2021-02-25. Review status: criteria provided, single submitter. Criteria: Invitae Variant Classification Sherloc (09022015). Collection method: clinical testing. Allele origin: germline.
Comment: This sequence change replaces glutamine with glutamic acid at codon 421 of the NPC1 protein (p.Gln421Glu). The glutamine residue is weakly conserved and there is a small physicochemical difference between glutamine and glutamic acid. This variant is not present in population databases (ExAC no frequency). This variant has not been reported in the literature in individuals with NPC1-related conditions. Advanced modeling of protein sequence and biophysical properties (such as structural, functional, and spatial information, amino acid conservation, physicochemical variation, residue mobility, and thermodynamic stability) performed at Invitae indicates that this missense variant is not expected to disrupt NPC1 protein function. In summary, the available evidence is currently insufficient to determine the role of this variant in disease. Therefore, it has been classified as a Variant of Uncertain Significance.

NM_000271.5(NPC1):c.1261C>G (p.Gln421Glu)

Gene: NPC1 (NPC intracellular cholesterol transporter 1; minus strand). Cytogenetic location: 18q11.2.
Variant type: single nucleotide variant.
Coding change: c.1261C>G on transcript NM_000271.5 (MANE Select); coding-DNA position 1261, C replaced by G.
Protein change: p.Gln421Glu; replaces glutamine 421 with glutamic acid.
Molecular consequence: missense variant.
Genome position (GRCh38, 1-based): chr18:23,556,308, G>C on the plus strand (C>G on the coding strand, the complement: NPC1 is on the minus strand). VCF-style: chr18-23556308-G-C. GRCh37 (hg19) VCF-style: chr18-21136272-G-C.
Other names: short protein forms Q421E.
Identifiers: ClinVar variation 1440847 (VCV001440847.10), dbSNP rs2058949363, ClinGen allele CA401777356.